The following is an entry in ClinVar:

NM_015047.3(EMC1):c.427A>T (p.Ile143Phe)

Gene: EMC1 (ER membrane protein complex subunit 1; minus strand). Cytogenetic location: 1p36.13.
Variant type: single nucleotide variant.
Coding change: c.427A>T on transcript NM_015047.3 (MANE Select); coding-DNA position 427, A replaced by T.
Protein change: p.Ile143Phe; replaces isoleucine 143 with phenylalanine.
Molecular consequence: missense variant.
Genome position (GRCh38, 1-based): chr1:19,242,427, T>A on the plus strand (A>T on the coding strand, the complement: EMC1 is on the minus strand). VCF-style: chr1-19242427-T-A. GRCh37 (hg19) VCF-style: chr1-19568921-T-A.
Other names: c.427A>T, p.Ile143Phe (NM_001271427.2, NM_001271428.2, NM_001375820.1 and 1 more transcripts); c.361A>T, p.Ile121Phe (NM_001271429.2); short protein forms I121F, I143F.
Identifiers: ClinVar variation 1015023 (VCV001015023.8), dbSNP rs536488842, ClinGen allele CA652915.

ClinVar aggregate classification (germline): Uncertain significance (1 of 4 stars; one submission).

Allele frequency attached by ClinVar (database versions not stated): gnomAD exomes below 0.00001; ExAC 0.00001; TOPMed 0.00002.
gnomAD v4.1: 2 of 1,614,066 alleles (0.00012%); highest among the groups gnomAD compares: African/African-American, 0.0027%; no homozygotes.

Submission:

Labcorp Genetics (formerly Invitae), Labcorp
Classification: Uncertain significance. Last evaluated: 2025-11-27. Review status: criteria provided, single submitter. Criteria: Invitae Variant Classification Sherloc (09022015). Collection method: clinical testing. Allele origin: germline.
Comment: This sequence change replaces isoleucine, which is neutral and non-polar, with phenylalanine, which is neutral and non-polar, at codon 143 of the EMC1 protein (p.Ile143Phe). This variant is present in population databases (rs536488842, gnomAD 0.008%). This variant has not been reported in the literature in individuals affected with EMC1-related conditions. ClinVar contains an entry for this variant (Variation ID: 1015023). Invitae Evidence Modeling of protein sequence and biophysical properties (such as structural, functional, and spatial information, amino acid conservation, physicochemical variation, residue mobility, and thermodynamic stability) indicates that this missense variant is not expected to disrupt EMC1 protein function with a negative predictive value of 80%. In summary, the available evidence is currently insufficient to determine the role of this variant in disease. Therefore, it has been classified as a Variant of Uncertain Significance.